The following is an entry in ClinVar:

ClinVar aggregate classification (germline): Uncertain significance. Review status: criteria provided, multiple submitters, no conflicts (2 of 4 stars). 2 submissions from 2 submitters: Uncertain significance (2). Last evaluated 2024-06-22.

Conditions:
Colorectal cancer, hereditary nonpolyposis, type 7. Identifiers: Orphanet 144, MedGen C1858380, MONDO:0013725, OMIM 614385.

Allele frequency attached by ClinVar (database versions not stated): gnomAD exomes below 0.00001.

Submissions (2):

Ambry Genetics
Classification: Uncertain significance. Last evaluated: 2024-06-22. Review status: criteria provided, single submitter. Criteria: Ambry Variant Classification Scheme 2023. Collection method: clinical testing. Allele origin: germline.
Comment: The p.Q24R variant (also known as c.71A>G), located in coding exon 1 of the MLH3 gene, results from an A to G substitution at nucleotide position 71. The glutamine at codon 24 is replaced by arginine, an amino acid with highly similar properties. This amino acid position is conserved. In addition, the in silico prediction for this alteration is inconclusive. Based on the available evidence, the clinical significance of this variant remains unclear.

Labcorp Genetics (formerly Invitae), Labcorp
Classification: Uncertain significance for Colorectal cancer, hereditary nonpolyposis, type 7. Last evaluated: 2021-07-31. Review status: criteria provided, single submitter. Criteria: Invitae Variant Classification Sherloc (09022015). Collection method: clinical testing. Allele origin: germline.
Comment: This sequence change replaces glutamine with arginine at codon 24 of the MLH3 protein (p.Gln24Arg). The glutamine residue is highly conserved and there is a small physicochemical difference between glutamine and arginine. This variant is not present in population databases (ExAC no frequency). This variant has not been reported in the literature in individuals affected with MLH3-related conditions. Algorithms developed to predict the effect of missense changes on protein structure and function are either unavailable or do not agree on the potential impact of this missense change (SIFT: "Deleterious"; PolyPhen-2: "Probably Damaging"; Align-GVGD: "Class C0"). In summary, the available evidence is currently insufficient to determine the role of this variant in disease. Therefore, it has been classified as a Variant of Uncertain Significance.

NM_001040108.2(MLH3):c.71A>G (p.Gln24Arg)

Gene: MLH3 (mutL homolog 3; minus strand). Cytogenetic location: 14q24.3.
Variant type: single nucleotide variant.
Coding change: c.71A>G on transcript NM_001040108.2 (MANE Select); coding-DNA position 71, A replaced by G.
Protein change: p.Gln24Arg; replaces glutamine 24 with arginine.
Molecular consequence: missense variant.
Genome position (GRCh38, 1-based): chr14:75,049,585, T>C on the plus strand (A>G on the coding strand, the complement: MLH3 is on the minus strand). VCF-style: chr14-75049585-T-C. GRCh37 (hg19) VCF-style: chr14-75516288-T-C.
Other names: c.71A>G, p.Gln24Arg (NM_014381.3); c.71A>G (NM_001040108.1); short protein forms Q24R.
Identifiers: ClinVar variation 1512500 (VCV001512500.7), dbSNP rs2139614337, ClinGen allele CA390451751.